The following is an entry in ClinVar:

NM_001903.5(CTNNA1):c.1004C>T (p.Ala335Val)

Gene: CTNNA1 (catenin alpha 1; plus strand). Cytogenetic location: 5q31.2.
Variant type: single nucleotide variant.
Coding change: c.1004C>T on transcript NM_001903.5 (MANE Select); coding-DNA position 1004, C replaced by T.
Protein change: p.Ala335Val; replaces alanine 335 with valine.
Molecular consequence: missense variant.
Genome position (GRCh38, 1-based): chr5:138,827,660, C>T. VCF-style: chr5-138827660-C-T. GRCh37 (hg19) VCF-style: chr5-138163349-C-T.
Other names: c.1004C>T, p.Ala335Val (NM_001290307.3, NM_001323982.2, NM_001323983.1 and 3 more transcripts); c.695C>T, p.Ala232Val (NM_001290309.3); c.635C>T, p.Ala212Val (NM_001290310.3); short protein forms A212V, A232V, A335V.
Identifiers: ClinVar variation 1017798 (VCV001017798.10), dbSNP rs1760855901, ClinGen allele CA361131136.

ClinVar aggregate classification (germline): Uncertain significance (1 of 4 stars; one submission).

Submission:

Labcorp Genetics (formerly Invitae), Labcorp
Classification: Uncertain significance. Last evaluated: 2022-08-31. Review status: criteria provided, single submitter. Criteria: Invitae Variant Classification Sherloc (09022015). Collection method: clinical testing. Allele origin: germline.
Comment: In summary, the available evidence is currently insufficient to determine the role of this variant in disease. Therefore, it has been classified as a Variant of Uncertain Significance. This variant has not been reported in the literature in individuals affected with CTNNA1-related conditions. This variant is not present in population databases (gnomAD no frequency). This sequence change replaces alanine, which is neutral and non-polar, with valine, which is neutral and non-polar, at codon 335 of the CTNNA1 protein (p.Ala335Val). Algorithms developed to predict the effect of missense changes on protein structure and function are either unavailable or do not agree on the potential impact of this missense change (SIFT: "Deleterious"; PolyPhen-2: "Benign"; Align-GVGD: "Class C0"). ClinVar contains an entry for this variant (Variation ID: 1017798).